The following is an entry in ClinVar:

ClinVar aggregate classification (germline): Uncertain significance. Review status: criteria provided, multiple submitters, no conflicts (2 of 4 stars). 2 submissions from 2 submitters: Uncertain significance (2). Last evaluated 2023-10-06.

Conditions:
Inborn genetic diseases. Identifiers: MedGen C0950123, MeSH D030342.

gnomAD v4.1: 230 of 1,540,982 alleles (0.015%); highest among the groups gnomAD compares: Non-Finnish European, 0.017%; no homozygotes.

Submissions (2):

Ambry Genetics
Classification: Uncertain significance for Inborn genetic diseases. Last evaluated: 2023-10-06. Review status: criteria provided, single submitter. Criteria: Ambry Variant Classification Scheme 2023. Collection method: clinical testing. Allele origin: germline.

GeneDx
Classification: Uncertain significance. Last evaluated: 2022-04-18. Review status: criteria provided, single submitter. Criteria: GeneDx Variant Classification Process June 2021. Collection method: clinical testing. Allele origin: germline. Affected: yes.
Comment: In silico analysis supports that this missense variant does not alter protein structure/function; Has not been previously published as pathogenic or benign to our knowledge

NM_005883.3(APC2):c.4997G>C (p.Arg1666Pro)

Gene: APC2 (APC regulator of WNT signaling pathway 2; plus strand). Cytogenetic location: 19p13.3.
Variant type: single nucleotide variant.
Coding change: c.4997G>C on transcript NM_005883.3 (MANE Select); coding-DNA position 4997, G replaced by C.
Protein change: p.Arg1666Pro; replaces arginine 1666 with proline.
Molecular consequence: missense variant.
Genome position (GRCh38, 1-based): chr19:1,468,298, G>C. VCF-style: chr19-1468298-G-C. GRCh37 (hg19) VCF-style: chr19-1468297-G-C.
Other names: c.4994G>C, p.Arg1665Pro (NM_001351273.1); short protein forms R1665P, R1666P.
Identifiers: ClinVar variation 1712020 (VCV001712020.3), dbSNP rs767618250, ClinGen allele CA9045945.